The following is an entry in ClinVar:

NM_006254.4(PRKCD):c.1872+1G>A

Gene: PRKCD (protein kinase C delta; plus strand). Cytogenetic location: 3p21.1.
Variant type: single nucleotide variant.
Coding change: c.1872+1G>A on transcript NM_006254.4 (MANE Select); the canonical splice donor site of the intron after coding-DNA position 1872, G replaced by A.
Molecular consequence: splice donor variant.
Genome position (GRCh38, 1-based): chr3:53,190,002, G>A. VCF-style: chr3-53190002-G-A. GRCh37 (hg19) VCF-style: chr3-53224018-G-A.
Other names: c.1872+1G>A (NM_001354680.2, NM_001354679.2, NM_212539.2 and 1 more transcripts); c.1929+1G>A (NM_001354676.2); c.1920+1G>A (NM_001354678.2).
Identifiers: ClinVar variation 663401 (VCV000663401.6), dbSNP rs782367516, ClinGen allele CA2452304.

ClinVar aggregate classification (germline): Uncertain significance (1 of 4 stars; one submission).

Conditions:
Autoimmune lymphoproliferative syndrome, type III caused by mutation in PRKCD. Identifiers: Orphanet 3261, Orphanet 664711, MedGen C3809928, MONDO:8000024, OMIM 615559.

Allele frequency attached by ClinVar (database versions not stated): ExAC 0.00001.

Submission:

Labcorp Genetics (formerly Invitae), Labcorp
Classification: Uncertain significance for Autoimmune lymphoproliferative syndrome, type III caused by mutation in PRKCD. Last evaluated: 2022-08-10. Review status: criteria provided, single submitter. Criteria: Invitae Variant Classification Sherloc (09022015). Collection method: clinical testing. Allele origin: germline.
Comment: This sequence change affects a donor splice site in intron 18 of the PRKCD gene. While this variant is not anticipated to result in nonsense mediated decay, it likely alters RNA splicing and results in a disrupted protein product. This variant is not present in population databases (gnomAD no frequency). This variant has not been reported in the literature in individuals affected with PRKCD-related conditions. ClinVar contains an entry for this variant (Variation ID: 663401). Variants that disrupt the consensus splice site are a relatively common cause of aberrant splicing (PMID: 17576681, 9536098). Algorithms developed to predict the effect of sequence changes on RNA splicing suggest that this variant may disrupt the consensus splice site. In summary, the available evidence is currently insufficient to determine the role of this variant in disease. Therefore, it has been classified as a Variant of Uncertain Significance.

Literature cited by the submitters: PubMed 17576681; PubMed 9536098.